The following is an entry in ClinVar:

ClinVar aggregate classification (germline): Uncertain significance. Review status: criteria provided, multiple submitters, no conflicts (2 of 4 stars). 2 submissions from 2 submitters: Uncertain significance (2). Last evaluated 2026-01-02.

Allele frequency attached by ClinVar (database versions not stated): ExAC 0.00002; gnomAD 0.00002; TOPMed 0.00002.

Submissions (2):

Labcorp Genetics (formerly Invitae), Labcorp
Classification: Uncertain significance. Last evaluated: 2026-01-02. Review status: criteria provided, single submitter. Criteria: Invitae Variant Classification Sherloc (09022015). Collection method: clinical testing. Allele origin: germline.
Comment: This sequence change replaces arginine, which is basic and polar, with histidine, which is basic and polar, at codon 108 of the EFL1 protein (p.Arg108His). This variant is present in population databases (rs763330531, gnomAD 0.01%). This variant has not been reported in the literature in individuals affected with EFL1-related conditions. ClinVar contains an entry for this variant (Variation ID: 1349070). Invitae Evidence Modeling of protein sequence and biophysical properties (such as structural, functional, and spatial information, amino acid conservation, physicochemical variation, residue mobility, and thermodynamic stability) indicates that this missense variant is expected to disrupt EFL1 protein function with a positive predictive value of 80%. In summary, the available evidence is currently insufficient to determine the role of this variant in disease. Therefore, it has been classified as a Variant of Uncertain Significance.

Mayo Clinic Laboratories, Mayo Clinic
Classification: Uncertain significance. Last evaluated: 2024-06-25. Review status: criteria provided, single submitter. Criteria: ACMG Guidelines, 2015. Collection method: clinical testing. Allele origin: germline. Observed: 1 variant allele.
Comment: PP3

NM_024580.6(EFL1):c.323G>A (p.Arg108His)

Gene: EFL1 (elongation factor like GTPase 1; minus strand). Cytogenetic location: 15q25.2.
Variant type: single nucleotide variant.
Coding change: c.323G>A on transcript NM_024580.6 (MANE Select); coding-DNA position 323, G replaced by A.
Protein change: p.Arg108His; replaces arginine 108 with histidine.
Molecular consequence: missense variant. On other transcripts: 5 prime UTR variant (1), non-coding transcript variant (1).
Genome position (GRCh38, 1-based): chr15:82,241,325, C>T on the plus strand (G>A on the coding strand, the complement: EFL1 is on the minus strand). VCF-style: chr15-82241325-C-T. GRCh37 (hg19) VCF-style: chr15-82533666-C-T.
Other names: p.Arg108His; c.170G>A, p.Arg57His (NM_001040610.3); c.-467G>A (NM_001322844.2); c.323G>A, p.Arg108His (NM_001322845.2); short protein forms R57H, R108H.
Identifiers: ClinVar variation 1349070 (VCV001349070.6), dbSNP rs763330531, ClinGen allele CA7698307.
Genomic context (GRCh38, chr15:82,241,325, plus strand): 5'-ATTACCTGTGGACAGACTCCTTCCACAGCATCTACCACAATGATGCATCCATCACAAATG[C>T]GAACAGCGGTTGATACTTCTGAGGAAAAGTCCACGTGTCCTGGAGAGTCTATCAGATTGA-3'
Protein context (NP_078856.4, residues 98-118): DFSSEVSTAV[Arg108His]ICDGCIIVVD